The following is an entry in ClinVar:

ClinVar aggregate classification (germline): Uncertain significance (1 of 4 stars; one submission).

Conditions:
Hypertrophic cardiomyopathy. Also called: HYPERTROPHIC MYOCARDIOPATHY. Identifiers: Orphanet 217569, MedGen C0007194, MeSH D002312, MONDO:0005045, HP:0001639.

Submission:

Labcorp Genetics (formerly Invitae), Labcorp
Classification: Uncertain significance for Hypertrophic cardiomyopathy. Last evaluated: 2025-02-04. Review status: criteria provided, single submitter. Criteria: Invitae Variant Classification Sherloc (09022015). Collection method: clinical testing. Allele origin: germline.
Comment: This sequence change affects codon 808 of the MYH7 mRNA. It is a 'silent' change, meaning that it does not change the encoded amino acid sequence of the MYH7 protein. This variant also falls at the last nucleotide of exon 21, which is part of the consensus splice site for this exon. This variant is not present in population databases (gnomAD no frequency). This variant has not been reported in the literature in individuals affected with MYH7-related conditions. An algorithm developed to predict the effect of missense changes on protein structure and function (PolyPhen-2) suggests that this variant is likely to be tolerated. Variants that disrupt the consensus splice site are a relatively common cause of aberrant splicing (PMID: 17576681, 9536098). Algorithms developed to predict the effect of sequence changes on RNA splicing suggest that this variant may disrupt the consensus splice site. In summary, the available evidence is currently insufficient to determine the role of this variant in disease. Therefore, it has been classified as a Variant of Uncertain Significance.

Literature cited by the submitters: PubMed 17576681; PubMed 9536098.

NM_000257.4(MYH7):c.2423G>A (p.Arg808Lys)

Genes: MYH7 (myosin heavy chain 7; minus strand), LOC126861898 (BRD4-independent group 4 enhancer GRCh37_chr14:23893609-23894808; plus strand). Cytogenetic location: 14q11.2.
Variant type: single nucleotide variant.
Coding change: c.2423G>A on transcript NM_000257.4 (MANE Select); coding-DNA position 2423, G replaced by A.
Protein change: p.Arg808Lys; replaces arginine 808 with lysine.
Molecular consequence: missense variant.
Genome position (GRCh38, 1-based): chr14:23,425,282, C>T on the plus strand (G>A on the coding strand, the complement: MYH7 is on the minus strand). VCF-style: chr14-23425282-C-T. GRCh37 (hg19) VCF-style: chr14-23894491-C-T.
Other names: c.2423G>A, p.Arg808Lys (NM_001407004.1); short protein forms R808K.
Identifiers: ClinVar variation 4804959 (VCV004804959.1).